The following is an entry in ClinVar:

ClinVar aggregate classification (germline): Uncertain significance. Review status: criteria provided, multiple submitters, no conflicts (2 of 4 stars). 2 submissions from 2 submitters: Uncertain significance (2). Last evaluated 2025-04-29.

Conditions:
Inborn genetic diseases. Identifiers: MedGen C0950123, MeSH D030342.

Allele frequency attached by ClinVar (database versions not stated): TOPMed below 0.00001; gnomAD 0.00001; gnomAD exomes 0.00001.
gnomAD v4.1: 18 of 1,613,916 alleles (0.0011%); highest among the groups gnomAD compares: Non-Finnish European, 0.0014%; no homozygotes.

Submissions (2):

Ambry Genetics
Classification: Uncertain significance for Inborn genetic diseases. Last evaluated: 2025-04-29. Review status: criteria provided, single submitter. Criteria: Ambry Variant Classification Scheme 2023. Collection method: clinical testing. Allele origin: germline.

GeneDx
Classification: Uncertain significance. Last evaluated: 2022-12-26. Review status: criteria provided, single submitter. Criteria: GeneDx Variant Classification Process June 2021. Collection method: clinical testing. Allele origin: germline. Affected: yes.
Comment: Not observed at significant frequency in large population cohorts (gnomAD); In silico analysis supports that this missense variant does not alter protein structure/function; Has not been previously published as pathogenic or benign to our knowledge

NM_021939.4(FKBP10):c.902C>A (p.Thr301Asn)

Gene: FKBP10 (FKBP prolyl isomerase 10; plus strand). Cytogenetic location: 17q21.2.
Variant type: single nucleotide variant.
Coding change: c.902C>A on transcript NM_021939.4 (MANE Select); coding-DNA position 902, C replaced by A.
Protein change: p.Thr301Asn; replaces threonine 301 with asparagine.
Molecular consequence: missense variant.
Genome position (GRCh38, 1-based): chr17:41,819,384, C>A. VCF-style: chr17-41819384-C-A. GRCh37 (hg19) VCF-style: chr17-39975636-C-A.
Other names: short protein forms T301N.
Identifiers: ClinVar variation 2506777 (VCV002506777.2), dbSNP rs1597907688, ClinGen allele CA399516612.
Genomic context (GRCh38, chr17:41,819,384, plus strand): 5'-GCAGAGCCGGGGCCGGGGACTTCATGCGCTACCACTACAATGGCTCCTTGATGGACGGCA[C>A]CCTCTTCGATTCCAGGTCAGGAGGGTCTTGAGGTGGGAGGGCGGGGGCTGGGTGAAACGT-3'
Protein context (NP_068758.3, residues 291-311): YHYNGSLMDG[Thr301Asn]LFDSSYSRNH